The following is an entry in ClinVar:

NM_000214.3(JAG1):c.74G>A (p.Arg25Gln)

Gene: JAG1 (jagged canonical Notch ligand 1; minus strand). Cytogenetic location: 20p12.2.
Variant type: single nucleotide variant.
Coding change: c.74G>A on transcript NM_000214.3 (MANE Select); coding-DNA position 74, G replaced by A.
Protein change: p.Arg25Gln; replaces arginine 25 with glutamine.
Molecular consequence: missense variant.
Genome position (GRCh38, 1-based): chr20:10,673,457, C>T on the plus strand (G>A on the coding strand, the complement: JAG1 is on the minus strand). VCF-style: chr20-10673457-C-T. GRCh37 (hg19) VCF-style: chr20-10654105-C-T.
Other names: short protein forms R25Q.
Identifiers: ClinVar variation 895943 (VCV000895943.16), dbSNP rs1265642949, ClinGen allele CA408244062.

ClinVar aggregate classification (germline): Conflicting classifications of pathogenicity. Review status: criteria provided, conflicting classifications (1 of 4 stars). 6 submissions from 6 submitters: Uncertain significance (2); Likely benign (4). Last evaluated 2025-09-28.

Conditions:
Alagille syndrome due to a JAG1 point mutation. Also called: Alagille Syndrome 1; HEPATIC DUCTULAR HYPOPLASIA, SYNDROMATIC; JAG1-Related Alagille Syndrome. Identifiers: Orphanet 261619, Orphanet 52, MedGen C1956125, MONDO:0016862, OMIM 118450.
Charcot-Marie-Tooth disease, axonal, Type 2HH. Also called: CHARCOT-MARIE-TOOTH NEUROPATHY, TYPE 2HH. Identifiers: MedGen C5562003, MONDO:0030458, OMIM 619574.
Tetralogy of Fallot (TOF). Identifiers: Orphanet 3303, MedGen C0039685, MONDO:0008542, OMIM 187500, HP:0001636.
Deafness, congenital heart defects, and posterior embryotoxon (DCHE). Identifiers: MedGen C1866053, MONDO:0060713, OMIM 617992.
Isolated Nonsyndromic Congenital Heart Disease.
Cardiovascular phenotype. Identifiers: MedGen CN230736.

Allele frequency attached by ClinVar (database versions not stated): gnomAD 0.00001; TOPMed 0.00002; gnomAD exomes 0.00003.
gnomAD v4.1: 36 of 1,445,824 alleles (0.0025%); highest among the groups gnomAD compares: Non-Finnish European, 0.0033%; no homozygotes.

Submissions (6):

Ambry Genetics
Classification: Likely benign for Cardiovascular phenotype. Last evaluated: 2025-09-28. Review status: criteria provided, single submitter. Criteria: Ambry Variant Classification Scheme 2023. Collection method: clinical testing. Allele origin: germline.

Labcorp Genetics (formerly Invitae), Labcorp
Classification: Uncertain significance for Alagille syndrome due to a JAG1 point mutation. Last evaluated: 2024-12-19. Review status: criteria provided, single submitter. Criteria: Invitae Variant Classification Sherloc (09022015). Collection method: clinical testing. Allele origin: germline.
Comment: This sequence change replaces arginine, which is basic and polar, with glutamine, which is neutral and polar, at codon 25 of the JAG1 protein (p.Arg25Gln). The frequency data for this variant in the population databases is considered unreliable, as metrics indicate poor data quality at this position in the gnomAD database. This variant has not been reported in the literature in individuals affected with JAG1-related conditions. ClinVar contains an entry for this variant (Variation ID: 895943). Invitae Evidence Modeling of protein sequence and biophysical properties (such as structural, functional, and spatial information, amino acid conservation, physicochemical variation, residue mobility, and thermodynamic stability) indicates that this missense variant is not expected to disrupt JAG1 protein function with a negative predictive value of 95%. In summary, the available evidence is currently insufficient to determine the role of this variant in disease. Therefore, it has been classified as a Variant of Uncertain Significance.

Fulgent Genetics
Classification: Likely benign for Alagille syndrome due to a JAG1 point mutation; Tetralogy of Fallot; Deafness, congenital heart defects, and posterior embryotoxon; Charcot-Marie-Tooth disease, axonal, Type 2HH. Last evaluated: 2024-06-17. Review status: criteria provided, single submitter. Criteria: ACMG Guidelines, 2015. Collection method: clinical testing. Allele origin: germline.

Women's Health and Genetics/Laboratory Corporation of America, LabCorp
Classification: Likely benign. Last evaluated: 2024-01-02. Review status: criteria provided, single submitter. Criteria: LabCorp Variant Classification Summary - May 2015. Collection method: clinical testing. Allele origin: germline.
Comment: Variant summary: JAG1 c.74G>A (p.Arg25Gln) results in a conservative amino acid change in the encoded protein sequence. Four of five in-silico tools predict a benign effect of the variant on protein function. The observed variant frequency within Non-Finnish European control individuals in the gnomAD (v4.0) database is approximately 1.6 fold of the estimated maximal expected allele frequency for a pathogenic variant in JAG1 causing Alagille Syndrome 1 phenotype (2.1e-05), strongly suggesting that the variant is a benign polymorphism found primarily in populations of Non-Finnish European origin. To our knowledge, no occurrence of c.74G>A in individuals affected with Alagille Syndrome 1 and no experimental evidence demonstrating its impact on protein function have been reported. Two submitters have cited clinical-significance assessments for this variant to ClinVar after 2014. Both submitters classified the variant as uncertain significance. Based on the evidence outlined above, the variant was classified as likely benign.

Blueprint Genetics
Classification: Likely benign. Last evaluated: 2022-09-14. Review status: criteria provided, single submitter. Criteria: ACMG Guidelines, 2015. Collection method: clinical testing. Allele origin: germline.

Illumina Laboratory Services, Illumina
Classification: Uncertain significance for Isolated Nonsyndromic Congenital Heart Disease. Last evaluated: 2018-01-13. Review status: criteria provided, single submitter. Criteria: ICSL Variant Classification Criteria 13 December 2019. Collection method: clinical testing. Allele origin: germline.